The following is an entry in ClinVar:

NM_152383.5(DIS3L2):c.2192C>A (p.Thr731Asn)

Gene: DIS3L2 (DIS3 like 3'-5' exoribonuclease 2; plus strand). Cytogenetic location: 2q37.1.
Variant type: single nucleotide variant.
Coding change: c.2192C>A on transcript NM_152383.5 (MANE Select); coding-DNA position 2192, C replaced by A.
Protein change: p.Thr731Asn; replaces threonine 731 with asparagine.
Molecular consequence: missense variant. On other transcripts: non-coding transcript variant (2), intron variant (1).
Genome position (GRCh38, 1-based): chr2:232,334,402, C>A. VCF-style: chr2-232334402-C-A. GRCh37 (hg19) VCF-style: chr2-233199112-C-A.
Other names: c.1582-8943C>A (NM_001257281.2); short protein forms T731N.
Identifiers: ClinVar variation 463093 (VCV000463093.11), dbSNP rs1553551762, ClinGen allele CA350977677.
Genomic context (GRCh38, chr2:232,334,402, plus strand): 5'-CTCTCATGCCTCACCCCCTCTTCCCAGGCTATAGGGAGCGACTAGACATGGCGCCCGATA[C>A]CCTGCAGAAACAGGCGGACCACTGTAACGACCGCCGCATGGCGTCCAAGCGCGTGCAGGA-3'
Protein context (NP_689596.4, residues 721-741): YRERLDMAPD[Thr731Asn]LQKQADHCND

ClinVar aggregate classification (germline): Uncertain significance (1 of 4 stars; one submission).

Conditions:
Perlman syndrome (PRLMNS). Identifiers: Orphanet 2849, MedGen C0796113, MONDO:0009965, OMIM 267000.

Allele frequency attached by ClinVar (database versions not stated): TOPMed below 0.00001; gnomAD 0.00001; gnomAD exomes 0.00002.
gnomAD v4.1: 35 of 1,613,654 alleles (0.0022%); highest among the groups gnomAD compares: Non-Finnish European, 0.0029%; no homozygotes.

Submission:

Labcorp Genetics (formerly Invitae), Labcorp
Classification: Uncertain significance for Perlman syndrome. Last evaluated: 2024-10-22. Review status: criteria provided, single submitter. Criteria: Invitae Variant Classification Sherloc (09022015). Collection method: clinical testing. Allele origin: germline.
Comment: This sequence change replaces threonine, which is neutral and polar, with asparagine, which is neutral and polar, at codon 731 of the DIS3L2 protein (p.Thr731Asn). This variant is not present in population databases (gnomAD no frequency). This variant has not been reported in the literature in individuals affected with DIS3L2-related conditions. ClinVar contains an entry for this variant (Variation ID: 463093). Invitae Evidence Modeling of protein sequence and biophysical properties (such as structural, functional, and spatial information, amino acid conservation, physicochemical variation, residue mobility, and thermodynamic stability) indicates that this missense variant is not expected to disrupt DIS3L2 protein function with a negative predictive value of 80%. In summary, the available evidence is currently insufficient to determine the role of this variant in disease. Therefore, it has been classified as a Variant of Uncertain Significance.